The following is an entry in ClinVar:

NM_014845.6(FIG4):c.2443T>C (p.Phe815Leu)

Gene: FIG4 (FIG4 phosphoinositide 5-phosphatase; plus strand). Cytogenetic location: 6q21.
Variant type: single nucleotide variant.
Coding change: c.2443T>C on transcript NM_014845.6 (MANE Select); coding-DNA position 2443, T replaced by C.
Protein change: p.Phe815Leu; replaces phenylalanine 815 with leucine.
Molecular consequence: missense variant.
Genome position (GRCh38, 1-based): chr6:109,792,648, T>C. VCF-style: chr6-109792648-T-C. GRCh37 (hg19) VCF-style: chr6-110113851-T-C.
Other names: short protein forms F815L.
Identifiers: ClinVar variation 1982267 (VCV001982267.3), dbSNP rs1406213877, ClinGen allele CA365217867.
Genomic context (GRCh38, chr6:109,792,648, plus strand): 5'-GTCCAACCCATGAAGGAGCTATATGGAATTAACCTCTCAGATGGCCTCTCAGAAGAAGAT[T>C]TCTCCATTTATTCAAGGTGAGATACTTTCATGTAGATATTAAAGAAAAATGAATATTTAT-3'
Protein context (NP_055660.1, residues 805-825): NLSDGLSEED[Phe815Leu]SIYSRFVQLG

ClinVar aggregate classification (germline): Uncertain significance (1 of 4 stars; one submission).

Conditions:
Charcot-Marie-Tooth disease type 4. Also called: Charcot-Marie-Tooth, Type 4; Charcot-Marie-Tooth disease, type IV. Identifiers: Orphanet 64749, MedGen C4082197, MONDO:0018995.

Allele frequency attached by ClinVar (database versions not stated): gnomAD exomes below 0.00001.
gnomAD v4.1: 4 of 1,584,104 alleles (0.00025%); highest among the groups gnomAD compares: Middle Eastern, 0.05%; no homozygotes.

Submission:

Labcorp Genetics (formerly Invitae), Labcorp
Classification: Uncertain significance for Charcot-Marie-Tooth disease type 4. Last evaluated: 2022-09-06. Review status: criteria provided, single submitter. Criteria: Invitae Variant Classification Sherloc (09022015). Collection method: clinical testing. Allele origin: germline.
Comment: This variant is present in population databases (no rsID available, gnomAD 0.0009%). In summary, the available evidence is currently insufficient to determine the role of this variant in disease. Therefore, it has been classified as a Variant of Uncertain Significance. Algorithms developed to predict the effect of missense changes on protein structure and function output the following: SIFT: "Tolerated"; PolyPhen-2: "Benign"; Align-GVGD: "Class C0". The leucine amino acid residue is found in multiple mammalian species, which suggests that this missense change does not adversely affect protein function. This variant has not been reported in the literature in individuals affected with FIG4-related conditions. This sequence change replaces phenylalanine, which is neutral and non-polar, with leucine, which is neutral and non-polar, at codon 815 of the FIG4 protein (p.Phe815Leu).